The following is an entry in ClinVar:

ClinVar aggregate classification (germline): Uncertain significance (1 of 4 stars; one submission).

Allele frequency attached by ClinVar (database versions not stated): gnomAD exomes below 0.00001.

Submission:

Labcorp Genetics (formerly Invitae), Labcorp
Classification: Uncertain significance. Last evaluated: 2023-10-24. Review status: criteria provided, single submitter. Criteria: Invitae Variant Classification Sherloc (09022015). Collection method: clinical testing. Allele origin: germline.
Comment: This sequence change replaces lysine, which is basic and polar, with glutamic acid, which is acidic and polar, at codon 507 of the TELO2 protein (p.Lys507Glu). This variant is not present in population databases (gnomAD no frequency). This missense change has been observed in individual(s) with autosomal recessive You-Hoover-Fong syndrome (Invitae). Advanced modeling of protein sequence and biophysical properties (such as structural, functional, and spatial information, amino acid conservation, physicochemical variation, residue mobility, and thermodynamic stability) performed at Invitae indicates that this missense variant is not expected to disrupt TELO2 protein function with a negative predictive value of 80%. In summary, the available evidence is currently insufficient to determine the role of this variant in disease. Therefore, it has been classified as a Variant of Uncertain Significance.

NM_016111.4(TELO2):c.1519A>G (p.Lys507Glu)

Gene: TELO2 (telomere maintenance 2; plus strand). Cytogenetic location: 16p13.3.
Variant type: single nucleotide variant.
Coding change: c.1519A>G on transcript NM_016111.4 (MANE Select); coding-DNA position 1519, A replaced by G.
Protein change: p.Lys507Glu; replaces lysine 507 with glutamic acid.
Molecular consequence: missense variant.
Genome position (GRCh38, 1-based): chr16:1,502,093, A>G. VCF-style: chr16-1502093-A-G. GRCh37 (hg19) VCF-style: chr16-1552094-A-G.
Other names: c.1519A>G, p.Lys507Glu (NM_001351846.2); short protein forms K507E.
Identifiers: ClinVar variation 2755616 (VCV002755616.2), dbSNP rs2505961467, ClinGen allele CA394214774.